The following is an entry in ClinVar:

NM_001384474.1(LOXHD1):c.828C>T (p.Asp276=)

Gene: LOXHD1 (lipoxygenase homology PLAT domains 1; minus strand). Cytogenetic location: 18q21.1.
Variant type: single nucleotide variant.
Coding change: c.828C>T on transcript NM_001384474.1 (MANE Select); coding-DNA position 828, C replaced by T.
Protein change: p.Asp276=; no amino-acid change (aspartic acid 276 retained).
Molecular consequence: synonymous variant.
Genome position (GRCh38, 1-based): chr18:46,604,161, G>A on the plus strand (C>T on the coding strand, the complement: LOXHD1 is on the minus strand). VCF-style: chr18-46604161-G-A. GRCh37 (hg19) VCF-style: chr18-44184124-G-A.
Other names: c.828C>T, p.Asp276= (NM_144612.7).
Identifiers: ClinVar variation 1089467 (VCV001089467.12), dbSNP rs200247093, ClinGen allele CA8952881.
Genomic context (GRCh38, chr18:46,604,161, plus strand): 5'-TCTACCTGTGGTCTCAGCTCCGCCCACTAAGATATCCCTTTGGATTTTGCCATCGTCTTC[G>A]TCCAAGGCCAGCCAGCGGTTAAGGGGGAAGTCATATTTTCTTTTGTTCCCAATATCTTCA-3'
Protein context (NP_001371403.1, residues 266-286): DFPLNRWLAL[Asp276=]EDDGKIQRDI

ClinVar aggregate classification (germline): Likely benign. Review status: criteria provided, multiple submitters, no conflicts (2 of 4 stars). 4 submissions from 4 submitters: Likely benign (4). Last evaluated 2025-09-02.

Conditions:
LOXHD1-related disorder. Also called: LOXHD1-related condition.

Allele frequency attached by ClinVar (database versions not stated): ExAC 0.00009; gnomAD exomes 0.00011 and 0.00012; TOPMed 0.00015; gnomAD 0.00016 and 0.00017; ESP Exome Variant Server 0.00044.
gnomAD v4.1: 188 of 1,551,578 alleles (0.012%); highest among the groups gnomAD compares: Middle Eastern, 0.12%; no homozygotes.

Submissions (4):

Labcorp Genetics (formerly Invitae), Labcorp
Classification: Likely benign. Last evaluated: 2025-09-02. Review status: criteria provided, single submitter. Criteria: Invitae Variant Classification Sherloc (09022015). Collection method: clinical testing. Allele origin: germline.

PreventionGenetics, part of Exact Sciences
Classification: Likely benign for LOXHD1-related condition. Last evaluated: 2024-10-16. Review status: criteria provided, single submitter. Criteria: ACMG Guidelines, 2015. Collection method: clinical testing. Allele origin: germline.
Comment: This variant is classified as likely benign based on ACMG/AMP sequence variant interpretation guidelines (Richards et al. 2015 PMID: 25741868, with internal and published modifications).

Women's Health and Genetics/Laboratory Corporation of America, LabCorp
Classification: Likely benign. Last evaluated: 2022-01-11. Review status: criteria provided, single submitter. Criteria: LabCorp Variant Classification Summary - May 2015. Collection method: clinical testing. Allele origin: germline.
Comment: Variant summary: LOXHD1 c.828C>T alters a conserved nucleotide resulting in a synonymous change. 4/4 computational tools predict no significant impact on normal splicing. However, these predictions have yet to be confirmed by functional studies. The variant allele was found at a frequency of 0.00012 in 156444 control chromosomes (gnomAD). This frequency is not higher than expected for a pathogenic variant in LOXHD1 causing Nonsyndromic Hearing Loss And Deafness, Type 77 (0.00012 vs 0.0011), allowing no conclusion about variant significance. To our knowledge, no occurrence of c.828C>T in individuals affected with Nonsyndromic Hearing Loss And Deafness, Type 77 and no experimental evidence demonstrating its impact on protein function have been reported. One ClinVar submitter has assessed the variant since 2014: the variant was classified as likely benign. Based on the evidence outlined above, the variant was classified as likely benign.

Breakthrough Genomics
Classification: Likely benign. Review status: criteria provided, single submitter. Criteria: ACMG Guidelines, 2015. Collection method: not provided. Allele origin: germline. Inheritance: Autosomal recessive inheritance. Affected: yes.